The following is an entry in ClinVar:

ClinVar aggregate classification (germline): Uncertain significance (1 of 4 stars; one submission).

Conditions:
Myasthenic syndrome, congenital, 22 (CMS22). Also called: PREPL DEFICIENCY. Identifiers: MedGen C4479088, MONDO:0044299, OMIM 616224.

gnomAD v4.1: 2 of 1,611,500 alleles (0.00012%); highest among the groups gnomAD compares: African/African-American, 0.0013%; no homozygotes.

Submission:

Labcorp Genetics (formerly Invitae), Labcorp
Classification: Uncertain significance for Myasthenic syndrome, congenital, 22. Last evaluated: 2018-07-30. Review status: criteria provided, single submitter. Criteria: Invitae Variant Classification Sherloc (09022015). Collection method: clinical testing. Allele origin: germline.
Comment: In summary, the available evidence is currently insufficient to determine the role of this variant in disease. Therefore, it has been classified as a Variant of Uncertain Significance. Algorithms developed to predict the effect of missense changes on protein structure and function (SIFT, PolyPhen-2, Align-GVGD) all suggest that this variant is likely to be tolerated, but these predictions have not been confirmed by published functional studies and their clinical significance is uncertain. This variant has not been reported in the literature in individuals with PREPL-related disease. This variant is not present in population databases (ExAC no frequency). This sequence change replaces arginine with threonine at codon 40 of the PREPL protein (p.Arg40Thr). The arginine residue is moderately conserved and there is a moderate physicochemical difference between arginine and threonine.

NM_001171613.2(PREPL):c.-49+1783G>C

Gene: PREPL (prolyl endopeptidase like; minus strand). Cytogenetic location: 2p21.
Variant type: single nucleotide variant.
Coding change: c.-49+1783G>C on transcript NM_001171613.2 (MANE Select); 1783 bases into the intron after 49 bases upstream of the start codon, G replaced by C.
Molecular consequence: intron variant. On other transcripts: missense variant (7).
Genome position (GRCh38, 1-based): chr2:44,359,597, C>G on the plus strand (G>C on the coding strand, the complement: PREPL is on the minus strand). VCF-style: chr2-44359597-C-G. GRCh37 (hg19) VCF-style: chr2-44586736-C-G.
Other names: c.119G>C, p.Arg40Thr (NM_006036.4, NM_001042385.2, NM_001042386.2 and 4 more transcripts); c.-49+1927G>C (NM_001171617.1); c.-49+1820G>C (NM_001374277.1); short protein forms R40T.
Identifiers: ClinVar variation 641652 (VCV000641652.8), dbSNP rs1572594874, ClinGen allele CA346694941.